The following is an entry in ClinVar:

NM_022489.4(INF2):c.2671C>T (p.Arg891Trp)

Gene: INF2 (inverted formin 2; plus strand). Cytogenetic location: 14q32.33.
Variant type: single nucleotide variant.
Coding change: c.2671C>T on transcript NM_022489.4 (MANE Select); coding-DNA position 2671, C replaced by T.
Protein change: p.Arg891Trp; replaces arginine 891 with tryptophan.
Molecular consequence: missense variant.
Genome position (GRCh38, 1-based): chr14:104,712,888, C>T. VCF-style: chr14-104712888-C-T. GRCh37 (hg19) VCF-style: chr14-105179225-C-T.
Other names: c.2671C>T, p.Arg891Trp (NM_001031714.4); short protein forms R891W.
Identifiers: ClinVar variation 657301 (VCV000657301.9), dbSNP rs926222455, ClinGen allele CA267329737.

ClinVar aggregate classification (germline): Uncertain significance. Review status: criteria provided, multiple submitters, no conflicts (2 of 4 stars). 2 submissions from 2 submitters: Uncertain significance (2). Last evaluated 2024-04-23.

Conditions:
Inborn genetic diseases. Identifiers: MedGen C0950123, MeSH D030342.
Charcot-Marie-Tooth disease dominant intermediate E. Also called: CHARCOT-MARIE-TOOTH NEUROPATHY WITH FOCAL SEGMENTAL GLOMERULONEPHRITIS. Identifiers: Orphanet 93114, MedGen C4302667, MONDO:0013758, OMIM 614455.
Focal segmental glomerulosclerosis 5 (FSGS5). Identifiers: Orphanet 656, MedGen C2750475, MONDO:0013191, OMIM 613237.

Allele frequency attached by ClinVar (database versions not stated): gnomAD exomes below 0.00001; TOPMed 0.00002; gnomAD 0.00001.
gnomAD v4.1: 7 of 1,612,568 alleles (0.00043%); highest among the groups gnomAD compares: East Asian, 0.0022%; no homozygotes.

Submissions (2):

Ambry Genetics
Classification: Uncertain significance for Inborn genetic diseases. Last evaluated: 2024-04-23. Review status: criteria provided, single submitter. Criteria: Ambry Variant Classification Scheme 2023. Collection method: clinical testing. Allele origin: germline.

Labcorp Genetics (formerly Invitae), Labcorp
Classification: Uncertain significance for Charcot-Marie-Tooth disease dominant intermediate E; Focal segmental glomerulosclerosis 5. Last evaluated: 2022-07-11. Review status: criteria provided, single submitter. Criteria: Invitae Variant Classification Sherloc (09022015). Collection method: clinical testing. Allele origin: germline.
Comment: In summary, the available evidence is currently insufficient to determine the role of this variant in disease. Therefore, it has been classified as a Variant of Uncertain Significance. Algorithms developed to predict the effect of missense changes on protein structure and function are either unavailable or do not agree on the potential impact of this missense change (SIFT: "Tolerated"; PolyPhen-2: "Not Available"; Align-GVGD: "Class C0"). ClinVar contains an entry for this variant (Variation ID: 657301). This variant has not been reported in the literature in individuals affected with INF2-related conditions. This variant is present in population databases (no rsID available, gnomAD 0.003%). This sequence change replaces arginine, which is basic and polar, with tryptophan, which is neutral and slightly polar, at codon 891 of the INF2 protein (p.Arg891Trp).